The following is an entry in ClinVar:

NM_201253.3(CRB1):c.3274G>A (p.Gly1092Ser)

Gene: CRB1 (crumbs cell polarity complex component 1; plus strand). Cytogenetic location: 1q31.3.
Variant type: single nucleotide variant.
Coding change: c.3274G>A on transcript NM_201253.3 (MANE Select); coding-DNA position 3274, G replaced by A.
Protein change: p.Gly1092Ser; replaces glycine 1092 with serine.
Molecular consequence: missense variant. On other transcripts: non-coding transcript variant (2), intron variant (1).
Genome position (GRCh38, 1-based): chr1:197,435,137, G>A. VCF-style: chr1-197435137-G-A. GRCh37 (hg19) VCF-style: chr1-197404267-G-A.
Other names: c.2938G>A, p.Gly980Ser (NM_001193640.2); c.3202G>A, p.Gly1068Ser (NM_001257965.2); c.2129-463G>A (NM_001257966.2); short protein forms G1068S, G1092S, G980S.
Identifiers: ClinVar variation 1520611 (VCV001520611.6), dbSNP rs1402562231, ClinGen allele CA344046970.

ClinVar aggregate classification (germline): Uncertain significance. Review status: criteria provided, multiple submitters, no conflicts (2 of 4 stars). 2 submissions from 2 submitters: Uncertain significance (2). Last evaluated 2021-08-31.

Conditions:
Retinitis pigmentosa 12 (RP12). Also called: RP WITH OR WITHOUT PRESERVED PARAARTERIOLE RETINAL PIGMENT EPITHELIUM; RETINITIS PIGMENTOSA WITH OR WITHOUT PARAARTERIOLAR PRESERVATION OF RETINAL PIGMENT EPITHELIUM; RP WITH OR WITHOUT PPRPE. Identifiers: Orphanet 791, MedGen C1838647, MONDO:0010818, OMIM 600105.
Leber congenital amaurosis 8 (LCA8). Identifiers: Orphanet 65, MedGen C3151202, MONDO:0013453, OMIM 613835.

Allele frequency attached by ClinVar (database versions not stated): gnomAD exomes below 0.00001.
gnomAD v4.1: 2 of 1,613,808 alleles (0.00012%); highest among the groups gnomAD compares: Admixed American, 0.0017%; no homozygotes.

Submissions (2):

Labcorp Genetics (formerly Invitae), Labcorp
Classification: Uncertain significance for Leber congenital amaurosis 8; Retinitis pigmentosa 12. Last evaluated: 2021-08-31. Review status: criteria provided, single submitter. Criteria: Invitae Variant Classification Sherloc (09022015). Collection method: clinical testing. Allele origin: germline.
Comment: This sequence change replaces glycine with serine at codon 1092 of the CRB1 protein (p.Gly1092Ser). The glycine residue is highly conserved and there is a small physicochemical difference between glycine and serine. This variant is not present in population databases (ExAC no frequency). This variant has not been reported in the literature in individuals affected with CRB1-related conditions. Algorithms developed to predict the effect of missense changes on protein structure and function output the following: SIFT: "Tolerated"; PolyPhen-2: "Possibly Damaging"; Align-GVGD: "Class C0". The serine amino acid residue is found in multiple mammalian species, which suggests that this missense change does not adversely affect protein function. In summary, the available evidence is currently insufficient to determine the role of this variant in disease. Therefore, it has been classified as a Variant of Uncertain Significance.

Blueprint Genetics
Classification: Uncertain significance. Last evaluated: 2020-09-14. Review status: criteria provided, single submitter. Criteria: ACMG Guidelines, 2015. Collection method: clinical testing. Allele origin: germline.